The following is an entry in ClinVar:

NM_006766.5(KAT6A):c.2947G>T (p.Gly983Cys)

Gene: KAT6A (lysine acetyltransferase 6A; minus strand). Cytogenetic location: 8p11.21.
Variant type: single nucleotide variant.
Coding change: c.2947G>T on transcript NM_006766.5 (MANE Select); coding-DNA position 2947, G replaced by T.
Protein change: p.Gly983Cys; replaces glycine 983 with cysteine.
Molecular consequence: missense variant.
Genome position (GRCh38, 1-based): chr8:41,940,934, C>A on the plus strand (G>T on the coding strand, the complement: KAT6A is on the minus strand). VCF-style: chr8-41940934-C-A. GRCh37 (hg19) VCF-style: chr8-41798452-C-A.
Other names: short protein forms G983C.
Identifiers: ClinVar variation 1028554 (VCV001028554.2), dbSNP rs1822089938, ClinGen allele CA371071322.

ClinVar aggregate classification (germline): Uncertain significance. Review status: criteria provided, multiple submitters, no conflicts (2 of 4 stars). 2 submissions from 2 submitters: Uncertain significance (2). Last evaluated 2025-06-24.

Conditions:
Inborn genetic diseases. Identifiers: MedGen C0950123, MeSH D030342.
Autosomal dominant intellectual disability-craniofacial anomalies-cardiac defects syndrome (ARTHS). Also called: Arboleda-Tham syndrome; KAT6A syndrome; Mental retardation, autosomal dominant 32. Identifiers: Orphanet 457193, MedGen C4225396, MONDO:0014558, OMIM 616268.

Allele frequency attached by ClinVar (database versions not stated): gnomAD exomes below 0.00001.
gnomAD v4.1: 6 of 1,614,170 alleles (0.00037%); highest among the groups gnomAD compares: Non-Finnish European, 0.00051%; no homozygotes.

Submissions (2):

Ambry Genetics
Classification: Uncertain significance for Inborn genetic diseases. Last evaluated: 2025-06-24. Review status: criteria provided, single submitter. Criteria: Ambry Variant Classification Scheme 2023. Collection method: clinical testing. Allele origin: germline.

Baylor Genetics
Classification: Uncertain significance for Autosomal dominant intellectual disability-craniofacial anomalies-cardiac defects syndrome. Last evaluated: 2019-03-25. Review status: criteria provided, single submitter. Criteria: ACMG Guidelines, 2015. Collection method: clinical testing. Allele origin: maternal. Affected: yes.
Comment: This variant was determined to be of uncertain significance according to ACMG Guidelines, 2015 [PMID:25741868].